The following is an entry in ClinVar:

NC_000023.11:g.18650452C>A

Genes: CDKL5 (cyclin dependent kinase like 5; plus strand), RS1 (retinoschisin 1; minus strand). Cytogenetic location: Xp22.13.
Variant type: single nucleotide variant.
Molecular consequence: intron variant (on NM_000330.4). On other transcripts: missense variant (2).
Genome position: GRCh38 VCF-style: chrX-18650452-C-A. GRCh37 (hg19) VCF-style: chrX-18668572-C-A.
Other names: c.2840C>A, p.Pro947Gln (NM_001037343.2, NM_003159.3); c.185-3120G>T (NM_000330.4); short protein forms P947Q.
Identifiers: ClinVar variation 2946218 (VCV002946218.3), dbSNP rs1479054834, ClinGen allele CA412373254.

ClinVar aggregate classification (germline): Uncertain significance (1 of 4 stars; one submission).

Conditions:
Developmental and epileptic encephalopathy, 2 (DEE2). Also called: INFANTILE SPASM SYNDROME, X-LINKED 2; CDKL5 deficiency disorder. Identifiers: Orphanet 1934, Orphanet 3451, Orphanet 505652, MedGen C4750718, MONDO:0010396, OMIM 300672.
Angelman syndrome-like. Identifiers: MedGen CN128785.

Submission:

Labcorp Genetics (formerly Invitae), Labcorp
Classification: Uncertain significance for Developmental and epileptic encephalopathy, 2; Angelman syndrome-like. Last evaluated: 2023-10-05. Review status: criteria provided, single submitter. Criteria: Invitae Variant Classification Sherloc (09022015). Collection method: clinical testing. Allele origin: germline.
Comment: This sequence change replaces proline, which is neutral and non-polar, with glutamine, which is neutral and polar, at codon 947 of the CDKL5 protein (p.Pro947Gln). This variant is not present in population databases (gnomAD no frequency). This variant has not been reported in the literature in individuals affected with CDKL5-related conditions. Advanced modeling of protein sequence and biophysical properties (such as structural, functional, and spatial information, amino acid conservation, physicochemical variation, residue mobility, and thermodynamic stability) performed at Invitae indicates that this missense variant is not expected to disrupt CDKL5 protein function. In summary, the available evidence is currently insufficient to determine the role of this variant in disease. Therefore, it has been classified as a Variant of Uncertain Significance.